The following is an entry in ClinVar:

ClinVar aggregate classification (germline): Conflicting classifications of pathogenicity. Review status: criteria provided, conflicting classifications (1 of 4 stars). 2 submissions from 2 submitters: Likely pathogenic (1); Uncertain significance (1). Last evaluated 2021-12-01.

Submissions (2):

Blueprint Genetics
Classification: Uncertain significance. Last evaluated: 2021-12-01. Review status: criteria provided, single submitter. Criteria: ACMG Guidelines, 2015. Collection method: clinical testing. Allele origin: germline.

GeneDx
Classification: Likely pathogenic. Last evaluated: 2015-07-17. Review status: criteria provided, single submitter. Criteria: GeneDx Variant Classification (06012015). Collection method: clinical testing. Allele origin: germline. Affected: yes.
Comment: p.Gly324Ala (GGA> GCA): c.971 G>C in the PRRT2 gene (NM_145239.2) A G324A missense change likely associated with paroxysmal kinesigenic dyskinesia with infantile convulsions (PKD/IC) or benign familial infantile seizures (BFIS) was identified in the PRRT2 gene. It has not been published as a mutation, nor has it been reported as a benign polymorphism to our knowledge. However, two different amino acid substitutions at the same residue (G324R; G324E) have been previously reported in association with infantile convulsions and paroxysmal choreoathetosis and benign familial infantile seizures, respectively (Marini et al., 2012). G324A is a conservative amino acid substitution of one uncharged, non-polar amino acid for another; however, it alters a position that is highly conserved across species. Additionally, the G324A variant was not observed in approximately 6,500 individuals of European and African American ancestry in the NHLBI Exome Sequencing Project, indicating it is not a common benign variant in these populations, and multiple in silico models predict a damaging effect on the structure/function of the protein. Therefore, G324A is a strong candidate for a disease-causing mutation, however the possibility that it is a benign variant cannot be excluded. The variant is found in PRRT2 panel(s).

NM_145239.3(PRRT2):c.971G>C (p.Gly324Ala)

Genes: MVP-DT (MVP divergent transcript; minus strand), PRRT2 (proline rich transmembrane protein 2; plus strand). Cytogenetic location: 16p11.2.
Variant type: single nucleotide variant.
Coding change: c.971G>C on transcript NM_145239.3 (MANE Select); coding-DNA position 971, G replaced by C.
Protein change: p.Gly324Ala; replaces glycine 324 with alanine.
Molecular consequence: missense variant. On other transcripts: 3 prime UTR variant (1).
Genome position (GRCh38, 1-based): chr16:29,814,424, G>C. VCF-style: chr16-29814424-G-C. GRCh37 (hg19) VCF-style: chr16-29825745-G-C.
Other names: p.G324A:GGA>GCA; c.971G>C, p.Gly324Ala (NM_001256442.2); c.*470G>C (NM_001256443.2); short protein forms G324A.
Identifiers: ClinVar variation 206693 (VCV000206693.3), dbSNP rs796052938, ClinGen allele CA317041.